The following is an entry in ClinVar:

NM_014822.4(SEC24D):c.2496+31G>A

Gene: SEC24D (SEC24 homolog D, COPII coat complex component; minus strand). Cytogenetic location: 4q26.
Variant type: single nucleotide variant.
Coding change: c.2496+31G>A on transcript NM_014822.4 (MANE Select); 31 bases into the intron after coding-DNA position 2496, G replaced by A.
Molecular consequence: intron variant.
Genome position (GRCh38, 1-based): chr4:118,738,230, C>T on the plus strand (G>A on the coding strand, the complement: SEC24D is on the minus strand). VCF-style: chr4-118738230-C-T. GRCh37 (hg19) VCF-style: chr4-119659385-C-T.
Other names: c.2499+31G>A (NM_001318066.2).
Identifiers: ClinVar variation 1800484 (VCV001800484.1), dbSNP rs183110720, ClinGen allele CA3056962.
Genomic context (GRCh38, chr4:118,738,230, plus strand): 5'-CTGCAACATCATAAGCCTTCTATAGCTATGTGCTGAAGAAATGAGTAGTCGTTTGTAACA[C>T]TTTAACATCTATGTGCAATAGGTAGCTCACCTGGCTTGCTGCAGAAGGACTTGCACAATT-3'

ClinVar aggregate classification (germline): Likely benign (1 of 4 stars; one submission).

Allele frequency attached by ClinVar (database versions not stated): gnomAD exomes 0.00012; ExAC 0.00059; gnomAD 0.00149; TOPMed 0.00181; ESP Exome Variant Server 0.00200; 1000 Genomes Project 0.00280; 1000 Genomes Project 30x 0.00359.
gnomAD v4.1: 393 of 1,429,204 alleles (0.027%); highest among the groups gnomAD compares: African/African-American, 0.47%; no homozygotes.

Submission:

GeneDx
Classification: Likely benign. Last evaluated: 2021-05-22. Review status: criteria provided, single submitter. Criteria: GeneDx Variant Classification Process June 2021. Collection method: clinical testing. Allele origin: germline. Affected: yes.
Comment: See Variant Classification Assertion Criteria.